The following is an entry in ClinVar:

ClinVar aggregate classification (germline): Uncertain significance (1 of 4 stars; one submission).

Allele frequency attached by ClinVar (database versions not stated): gnomAD exomes below 0.00001.
gnomAD v4.1: 2 of 1,611,858 alleles (0.00012%); highest among the groups gnomAD compares: Non-Finnish European, 0.00017%; no homozygotes.

Submission:

Ambry Genetics
Classification: Uncertain significance. Last evaluated: 2021-11-10. Review status: criteria provided, single submitter. Criteria: Ambry Variant Classification Scheme 2023. Collection method: clinical testing. Allele origin: germline.
Comment: The p.D51N variant (also known as c.151G>A), located in coding exon 3 of the RINT1 gene, results from a G to A substitution at nucleotide position 151. The aspartic acid at codon 51 is replaced by asparagine, an amino acid with highly similar properties. This amino acid position is not well conserved in available vertebrate species. In addition, this alteration is predicted to be tolerated by in silico analysis. The evidence for this gene-disease relationship is limited; therefore, the clinical significance of this alteration is unclear.

NM_021930.6(RINT1):c.151G>A (p.Asp51Asn)

Gene: RINT1 (RAD50 interactor 1; plus strand). Cytogenetic location: 7q22.3.
Variant type: single nucleotide variant.
Coding change: c.151G>A on transcript NM_021930.6 (MANE Select); coding-DNA position 151, G replaced by A.
Protein change: p.Asp51Asn; replaces aspartic acid 51 with asparagine.
Molecular consequence: missense variant. On other transcripts: 5 prime UTR variant (3), non-coding transcript variant (1), intron variant (1).
Genome position (GRCh38, 1-based): chr7:105,536,627, G>A. VCF-style: chr7-105536627-G-A. GRCh37 (hg19) VCF-style: chr7-105177074-G-A.
Other names: c.-869G>A (NM_001346600.2); c.-772G>A (NM_001346601.2); c.-392G>A (NM_001346603.2); c.39+15G>A (NM_001346599.2); short protein forms D51N.
Identifiers: ClinVar variation 1774396 (VCV001774396.2), dbSNP rs1790246903, ClinGen allele CA368800172.